The following is an entry in ClinVar:

ClinVar aggregate classification (germline): Uncertain significance (1 of 4 stars; one submission).

Conditions:
Baller-Gerold syndrome (BGS). Also called: CRANIOSYNOSTOSIS WITH RADIAL DEFECTS. Identifiers: Orphanet 1225, MedGen C0265308, MONDO:0009039, OMIM 218600.

Allele frequency attached by ClinVar (database versions not stated): gnomAD 0.00001; gnomAD exomes 0.00001; ExAC 0.00002.
gnomAD v4.1: 5 of 1,611,352 alleles (0.00031%); highest among the groups gnomAD compares: South Asian, 0.0044%; no homozygotes.

Submission:

Labcorp Genetics (formerly Invitae), Labcorp
Classification: Uncertain significance for Baller-Gerold syndrome. Last evaluated: 2019-12-11. Review status: criteria provided, single submitter. Criteria: Invitae Variant Classification Sherloc (09022015). Collection method: clinical testing. Allele origin: germline.
Comment: This sequence change replaces alanine with aspartic acid at codon 1068 of the RECQL4 protein (p.Ala1068Asp). The alanine residue is highly conserved and there is a moderate physicochemical difference between alanine and aspartic acid. This variant is present in population databases (rs751964578, ExAC 0.01%). This variant has not been reported in the literature in individuals with RECQL4-related conditions. Algorithms developed to predict the effect of missense changes on protein structure and function are either unavailable or do not agree on the potential impact of this missense change (SIFT: "Deleterious"; PolyPhen-2: "Not Available"; Align-GVGD: "Class C0"). In summary, the available evidence is currently insufficient to determine the role of this variant in disease. Therefore, it has been classified as a Variant of Uncertain Significance.

NM_004260.4(RECQL4):c.3203C>A (p.Ala1068Asp)

Gene: RECQL4 (RecQ like helicase 4; minus strand). Cytogenetic location: 8q24.3.
Variant type: single nucleotide variant.
Coding change: c.3203C>A on transcript NM_004260.4 (MANE Select); coding-DNA position 3203, C replaced by A.
Protein change: p.Ala1068Asp; replaces alanine 1068 with aspartic acid.
Molecular consequence: missense variant.
Genome position (GRCh38, 1-based): chr8:144,512,177, G>T on the plus strand (C>A on the coding strand, the complement: RECQL4 is on the minus strand). VCF-style: chr8-144512177-G-T. GRCh37 (hg19) VCF-style: chr8-145737560-G-T.
Other names: short protein forms A1068D.
Identifiers: ClinVar variation 862460 (VCV000862460.1), dbSNP rs751964578, ClinGen allele CA4947892.
Genomic context (GRCh38, chr8:144,512,177, plus strand): 5'-CCCAGGCCCCGCCCGCCTCCTCCCAACCTGTGAAAGGCCTGGAAGGTTCTGCGCAGACGG[G>T]CCAGGGCCTGGCGCTCCCGGGCCTGCACACGGCCATAGAGGAAGTCACATATCTGGTCCT-3'
Protein context (NP_004251.4, residues 1058-1078): RVQARERQAL[Ala1068Asp]RLRRTFQAFH